The following is an entry in ClinVar:

ClinVar aggregate classification (germline): Uncertain significance (1 of 4 stars; one submission).

gnomAD v4.1: 1 of 1,613,908 alleles (0.000062%); highest among the groups gnomAD compares: Non-Finnish European, 0.000085%; no homozygotes.

Submission:

CeGaT Center for Human Genetics Tuebingen
Classification: Uncertain significance. Last evaluated: 2026-09-01. Review status: criteria provided, single submitter. Criteria: CeGaT Center For Human Genetics Tuebingen Variant Classification Criteria Version 2. Collection method: clinical testing. Allele origin: germline. Affected: yes. Observed: 1 variant allele.
Comment: TTN: PM2, BP1, BP2

NM_001267550.2(TTN):c.92627G>A (p.Cys30876Tyr)

Genes: TTN (titin; minus strand), TTN-AS1 (TTN antisense RNA 1; plus strand). Cytogenetic location: 2q31.2.
Variant type: single nucleotide variant.
Coding change: c.92627G>A on transcript NM_001267550.2 (MANE Select); coding-DNA position 92627, G replaced by A.
Protein change: p.Cys30876Tyr; replaces cysteine 30876 with tyrosine.
Molecular consequence: missense variant.
Genome position (GRCh38, 1-based): chr2:178,548,999, C>T on the plus strand (G>A on the coding strand, the complement: TTN is on the minus strand). VCF-style: chr2-178548999-C-T. GRCh37 (hg19) VCF-style: chr2-179413726-C-T.
Other names: c.87704G>A, p.Cys29235Tyr (NM_001256850.1); c.65432G>A, p.Cys21811Tyr (NM_003319.4); c.84923G>A, p.Cys28308Tyr (NM_133378.4); c.65807G>A, p.Cys21936Tyr (NM_133432.3); c.66008G>A, p.Cys22003Tyr (NM_133437.4); short protein forms C21811Y, C21936Y, C22003Y, C28308Y, C29235Y, C30876Y.
Identifiers: ClinVar variation 5041526 (VCV005041526.1).